The following is an entry in ClinVar:

ClinVar aggregate classification (germline): Likely benign (1 of 4 stars; one submission).

Conditions:
Malignant hyperthermia, susceptibility to, 1 (MHS1). Also called: Anesthesia related hyperthermia; Malignant hyperpyrexia; Fulminating hyperpyrexia; Pharmacogenic myopathy; RYR1-Related Malignant Hyperthermia Susceptibility; Malignant hyperthermia suceptibility 1. Identifiers: Orphanet 423, MedGen C2930980, MONDO:0007783, OMIM 145600.

Submission:

All of Us Research Program, National Institutes of Health
Classification: Likely benign for Malignant hyperthermia, susceptibility to, 1. Last evaluated: 2024-06-17. Review status: criteria provided, single submitter. Criteria: ACMG Guidelines, 2015. Collection method: clinical testing. Allele origin: germline. Inheritance: Autosomal dominant inheritance. Observed: 2 variant alleles, 2 heterozygotes.
Comment: This study involves interpretation of variants in research participants for the purpose of population health screening. Participant phenotype was not available at the time of variant classification. Additional details can be found in publication PMID: 35346344, PMCID: PMC8962531

NM_000540.3(RYR1):c.11919C>A (p.Thr3973=)

Gene: RYR1 (ryanodine receptor 1; plus strand). Cytogenetic location: 19q13.2.
Variant type: single nucleotide variant.
Coding change: c.11919C>A on transcript NM_000540.3 (MANE Select); coding-DNA position 11919, C replaced by A.
Protein change: p.Thr3973=; no amino-acid change (threonine 3973 retained).
Molecular consequence: synonymous variant.
Genome position (GRCh38, 1-based): chr19:38,543,782, C>A. VCF-style: chr19-38543782-C-A. GRCh37 (hg19) VCF-style: chr19-39034422-C-A.
Other names: c.11904C>A, p.Thr3968= (NM_001042723.2).
Identifiers: ClinVar variation 3071785 (VCV003071785.2), dbSNP rs1302231407, ClinGen allele CA507242584.